The following is an entry in ClinVar:

NC_000009.11:g.(?_77358991)_(77362850_?)del

Gene: TRPM6 (transient receptor potential cation channel subfamily M member 6; minus strand). Cytogenetic location: 9q21.13.
Variant type: Deletion.
Identifiers: ClinVar variation 2426341 (VCV002426341.4).

ClinVar aggregate classification (germline): Pathogenic (1 of 4 stars; one submission).

Submission:

Labcorp Genetics (formerly Invitae), Labcorp
Classification: Pathogenic. Last evaluated: 2022-05-22. Review status: criteria provided, single submitter. Criteria: Invitae Variant Classification Sherloc (09022015). Collection method: clinical testing. Allele origin: germline.
Comment: For these reasons, this variant has been classified as Pathogenic. This variant has not been reported in the literature in individuals affected with TRPM6-related conditions. This variant is a gross deletion of the genomic region encompassing exon(s) 31-32 of the TRPM6 gene. This deletion is out-of-frame, and is expected to create a premature termination codon and result in an absent or disrupted protein product. Loss-of-function variants in TRPM6 are known to be pathogenic (PMID: 16107578).

Literature cited by the submitters: PubMed 16107578.